The following is an entry in ClinVar:

ClinVar aggregate classification (germline): Pathogenic/Likely pathogenic. Review status: criteria provided, multiple submitters, no conflicts (2 of 4 stars). 2 submissions from 2 submitters: Pathogenic (1); Likely pathogenic (1). Last evaluated 2025-04-13.

Conditions:
Leber congenital amaurosis 6 (LCA6). Identifiers: Orphanet 65, MedGen C1854260, MONDO:0013446, OMIM 613826.
Cone-rod dystrophy 13 (CORD13). Identifiers: Orphanet 1872, MedGen C2750720, MONDO:0011987, OMIM 608194.

Submissions (2):

Labcorp Genetics (formerly Invitae), Labcorp
Classification: Pathogenic for Leber congenital amaurosis 6; Cone-rod dystrophy 13. Last evaluated: 2025-04-13. Review status: criteria provided, single submitter. Criteria: Invitae Variant Classification Sherloc (09022015). Collection method: clinical testing. Allele origin: germline.
Comment: This sequence change creates a premature translational stop signal (p.Glu933*) in the RPGRIP1 gene. It is expected to result in an absent or disrupted protein product. Loss-of-function variants in RPGRIP1 are known to be pathogenic (PMID: 11528500, 23105016). This variant is not present in population databases (gnomAD no frequency). This premature translational stop signal has been observed in individual(s) with cone-rod dystrophy (PMID: 26766544). ClinVar contains an entry for this variant (Variation ID: 3576493). For these reasons, this variant has been classified as Pathogenic.

Fulgent Genetics
Classification: Likely pathogenic for Cone-rod dystrophy 13; Leber congenital amaurosis 6. Last evaluated: 2024-06-20. Review status: criteria provided, single submitter. Criteria: ACMG Guidelines, 2015. Collection method: clinical testing. Allele origin: germline.

Literature cited by the submitters: PubMed 11528500 (cited by Labcorp Genetics (formerly Invitae), Labcorp); PubMed 23105016 (cited by Labcorp Genetics (formerly Invitae), Labcorp); PubMed 26766544 (cited by Labcorp Genetics (formerly Invitae), Labcorp).

NM_020366.4(RPGRIP1):c.2795dup (p.Pro932_Glu933insTer)

Gene: RPGRIP1 (RPGR interacting protein 1; plus strand). Cytogenetic location: 14q11.2.
Variant type: Duplication.
Coding change: c.2795dup on transcript NM_020366.4 (MANE Select); coding-DNA position 2795, one base duplicated (C; older notation c.2795dupC).
Protein change: p.Pro932_Glu933insTer.
Molecular consequence: frameshift variant.
Genome position (GRCh38, 1-based): chr14:21,327,707, C duplicated; the last of 5 consecutive C bases (chr14:21,327,703-21,327,707); duplicating any one gives the same sequence. VCF-style (leftmost placement, unchanged base first): chr14-21327702-A-AC. GRCh37 (hg19) VCF-style: chr14-21795861-A-AC.
Other names: c.773dup, p.Pro258_Glu259insTer (NM_001377523.1, NM_001377950.1); c.1721dup, p.Pro574_Glu575insTer (NM_001377948.1); c.881dup, p.Pro294_Glu295insTer (NM_001377949.1); c.275dup, p.Pro92_Glu93insTer (NM_001377951.1).
Identifiers: ClinVar variation 3576493 (VCV003576493.2).